The following is an entry in ClinVar:

ClinVar aggregate classification (germline): Uncertain significance. Review status: criteria provided, multiple submitters, no conflicts (2 of 4 stars). 2 submissions from 2 submitters: Uncertain significance (2). Last evaluated 2026-08-31.

Conditions:
COL18A1-related disorder. Also called: COL18A1-related condition; COL18A1-related disorders.

gnomAD v4.1: 208 of 1,577,456 alleles (0.013%); highest among the groups gnomAD compares: South Asian, 0.088%; 1 homozygote.

Submissions (2):

PreventionGenetics, part of Exact Sciences
Classification: Uncertain significance for COL18A1-related condition. Last evaluated: 2026-08-31. Review status: criteria provided, single submitter. Criteria: ACMG Guidelines, 2015. Collection method: clinical testing. Allele origin: germline.
Comment: The COL18A1 c.739G>A variant is predicted to result in the amino acid substitution p.Ala247Thr. To our knowledge, this variant has not been reported in the literature. This variant is reported in 0.074% of alleles in individuals of South Asian descent in gnomAD, which may be too frequent to be a primary cause of disease. Although we suspect that this variant may be benign, at this time, the clinical significance of this variant is uncertain due to the absence of conclusive functional and genetic evidence.

Blueprint Genetics
Classification: Uncertain significance. Last evaluated: 2024-10-15. Review status: criteria provided, single submitter. Criteria: ACMG Guidelines, 2015. Collection method: clinical testing. Allele origin: germline.

NM_001379500.1(COL18A1):c.107-11973G>A

Gene: COL18A1 (collagen type XVIII alpha 1 chain; plus strand). Cytogenetic location: 21q22.3.
Variant type: single nucleotide variant.
Coding change: c.107-11973G>A on transcript NM_001379500.1 (MANE Select); 11973 bases into the intron before coding-DNA position 107, G replaced by A.
Molecular consequence: intron variant. On other transcripts: missense variant (1).
Genome position (GRCh38, 1-based): chr21:45,456,269, G>A. VCF-style: chr21-45456269-G-A. GRCh37 (hg19) VCF-style: chr21-46876183-G-A.
Other names: c.739G>A, p.Ala247Thr (NM_130444.3); c.646+93G>A (NM_030582.4); c.739G>A (NM_130444.2); short protein forms A247T.
Identifiers: ClinVar variation 4946567 (VCV004946567.2).
Genomic context (GRCh38, chr21:45,456,269, plus strand): 5'-GCCCCTCCCTGGGGAAGCCTGCAGGACCCAGACAGCCAAGGACTCTCGCCCGCCGCAGCC[G>A]CTCCCAGCCAGCAGCTCCAACGCCCTGACGTCCGCCTGCGCACGCCACTTCTGCACCCCC-3'